The following is an entry in ClinVar:

NM_004463.3(FGD1):c.1589A>C (p.Tyr530Ser)

Gene: FGD1 (FYVE, RhoGEF and PH domain containing 1; minus strand). Cytogenetic location: Xp11.22.
Variant type: single nucleotide variant.
Coding change: c.1589A>C on transcript NM_004463.3 (MANE Select); coding-DNA position 1589, A replaced by C.
Protein change: p.Tyr530Ser; replaces tyrosine 530 with serine.
Molecular consequence: missense variant.
Genome position (GRCh38, 1-based): chrX:54,465,498, T>G on the plus strand (A>C on the coding strand, the complement: FGD1 is on the minus strand). VCF-style: chrX-54465498-T-G. GRCh37 (hg19) VCF-style: chrX-54491931-T-G.
Other names: short protein forms Y530S.
Identifiers: ClinVar variation 4539917 (VCV004539917.1).

ClinVar aggregate classification (germline): Uncertain significance (1 of 4 stars; one submission).

Submission:

GeneDx
Classification: Uncertain significance. Last evaluated: 2025-06-27. Review status: criteria provided, single submitter. Criteria: GeneDx Variant Classification Process June 2021. Collection method: clinical testing. Allele origin: germline. Affected: yes.
Comment: Not observed at significant frequency in large population cohorts (gnomAD); In silico analysis supports that this missense variant has a deleterious effect on protein structure/function; Has not been previously published as pathogenic or benign to our knowledge